The following is an entry in ClinVar:

ClinVar aggregate classification (germline): Uncertain significance (1 of 4 stars; one submission).

Submission:

Ambry Genetics
Classification: Uncertain significance. Last evaluated: 2025-04-04. Review status: criteria provided, single submitter. Criteria: Ambry Variant Classification Scheme 2023. Collection method: clinical testing. Allele origin: germline.
Comment: The p.S127P variant (also known as c.379T>C), located in coding exon 1 of the PALLD gene, results from a T to C substitution at nucleotide position 379. The serine at codon 127 is replaced by proline, an amino acid with similar properties. This amino acid position is conserved. In addition, this alteration is predicted to be tolerated by in silico analysis. Based on the available evidence, the clinical significance of this variant remains unclear.

NM_001166108.2(PALLD):c.1965-12652T>C

Gene: PALLD (palladin, cytoskeletal associated protein; plus strand). Cytogenetic location: 4q32.3.
Variant type: single nucleotide variant.
Coding change: c.1965-12652T>C on transcript NM_001166108.2 (MANE Select); 12652 bases into the intron before coding-DNA position 1965, T replaced by C.
Molecular consequence: intron variant. On other transcripts: missense variant (1).
Genome position (GRCh38, 1-based): chr4:168,878,270, T>C. VCF-style: chr4-168878270-T-C. GRCh37 (hg19) VCF-style: chr4-169799421-T-C.
Other names: c.379T>C, p.Ser127Pro (NM_001166110.2); c.1965-12652T>C (NM_016081.4); c.819-12652T>C (NM_001166109.2); c.-157-12652T>C (NM_001367570.1, NM_001367568.1, NM_001367567.1 and 1 more transcripts); short protein forms S127P.
Identifiers: ClinVar variation 3927525 (VCV003927525.1).